The following is an entry in ClinVar:

NM_020975.6(RET):c.1855T>G (p.Phe619Val)

Gene: RET (ret proto-oncogene; plus strand). Cytogenetic location: 10q11.21.
Variant type: single nucleotide variant.
Coding change: c.1855T>G on transcript NM_020975.6 (MANE Select); coding-DNA position 1855, T replaced by G.
Protein change: p.Phe619Val; replaces phenylalanine 619 with valine.
Molecular consequence: missense variant.
Genome position (GRCh38, 1-based): chr10:43,113,651, T>G. VCF-style: chr10-43113651-T-G. GRCh37 (hg19) VCF-style: chr10-43609099-T-G.
Other names: c.1855T>G, p.Phe619Val (NM_000323.2, NM_001406743.1, NM_001406744.1 and 6 more transcripts); c.1093T>G, p.Phe365Val (NM_001355216.2); c.1726T>G, p.Phe576Val (NM_001406761.1, NM_001406762.1, NM_001406764.1 and 1 more transcripts); c.1567T>G, p.Phe523Val (NM_001406766.1, NM_001406767.1, NM_001406770.1); c.1459T>G, p.Phe487Val (NM_001406769.1, NM_001406772.1); c.1417T>G, p.Phe473Val (NM_001406771.1, NM_001406773.1); c.1330T>G, p.Phe444Val (NM_001406774.1); c.1129T>G, p.Phe377Val (NM_001406775.1, NM_001406776.1, NM_001406777.1 and 1 more transcripts); and 5 more; short protein forms F136V, F277V, F320V, F365V, F444V, F473V, F224V, F289V.
Identifiers: ClinVar variation 1781398 (VCV001781398.3), dbSNP rs2132830913, ClinGen allele CA376552817.

ClinVar aggregate classification (germline): Uncertain significance (1 of 4 stars; one submission).

Conditions:
Hereditary cancer-predisposing syndrome. Also called: Neoplastic Syndromes, Hereditary; Tumor predisposition; Hereditary Cancer Syndrome; Hereditary neoplastic syndrome. Identifiers: Orphanet 140162, MedGen C0027672, MeSH D009386, MONDO:0015356.

Allele frequency attached by ClinVar (database versions not stated): gnomAD exomes below 0.00001.
gnomAD v4.1: 3 of 1,613,430 alleles (0.00019%); highest among the groups gnomAD compares: Non-Finnish European, 0.00025%; no homozygotes.

Submission:

Ambry Genetics
Classification: Uncertain significance for Hereditary cancer-predisposing syndrome. Last evaluated: 2025-09-15. Review status: criteria provided, single submitter. Criteria: Ambry Variant Classification Scheme 2023. Collection method: clinical testing. Allele origin: germline.
Comment: The p.F619V variant (also known as c.1855T>G), located in coding exon 10 of the RET gene, results from a T to G substitution at nucleotide position 1855. The phenylalanine at codon 619 is replaced by valine, an amino acid with highly similar properties. This amino acid position is highly conserved in available vertebrate species. In addition, this alteration is predicted to be deleterious by in silico analysis. Based on the available evidence, the clinical significance of this variant remains unclear.